The following is an entry in ClinVar:

NM_000213.5(ITGB4):c.2730C>T (p.Ala910=)

Gene: ITGB4 (integrin subunit beta 4; plus strand). Cytogenetic location: 17q25.1.
Variant type: single nucleotide variant.
Coding change: c.2730C>T on transcript NM_000213.5 (MANE Select); coding-DNA position 2730, C replaced by T.
Protein change: p.Ala910=; no amino-acid change (alanine 910 retained).
Molecular consequence: synonymous variant.
Genome position (GRCh38, 1-based): chr17:75,742,437, C>T. VCF-style: chr17-75742437-C-T. GRCh37 (hg19) VCF-style: chr17-73738518-C-T.
Other names: c.2730C>T, p.Ala910= (NM_001005619.2, NM_001005731.3, NM_001321123.2).
Identifiers: ClinVar variation 325167 (VCV000325167.22), dbSNP rs61735292, ClinGen allele CA8769558.

ClinVar aggregate classification (germline): Benign/Likely benign. Review status: criteria provided, multiple submitters, no conflicts (2 of 4 stars). 7 submissions from 7 submitters: Benign (2); Likely benign (3). 2 of the submissions do not count toward it. Last evaluated 2026-01-28.

Conditions:
Junctional epidermolysis bullosa with pyloric atresia. Also called: Epidermolysis bullosa, junctional, with pyloric atresia and aplasia cutis congenita; Epidermolysis bullosa junctionalis with pyloric atresia; APLASIA CUTIS CONGENITA WITH GASTROINTESTINAL ATRESIA; CARMI SYNDROME; EB-PA-ACC; EPIDERMOLYSIS BULLOSA, JUNCTIONAL 5B, WITH PYLORIC ATRESIA. Identifiers: Orphanet 79403, MedGen C5676875, MONDO:0009183, OMIM 226730.

Allele frequency attached by ClinVar (database versions not stated): gnomAD exomes 0.00038 and 0.00120; ExAC 0.00149; gnomAD 0.00433 and 0.00454; TOPMed 0.00470; ESP Exome Variant Server 0.00507; 1000 Genomes Project 0.00619; 1000 Genomes Project 30x 0.00625.
gnomAD v4.1: 1,265 of 1,613,254 alleles (0.078%); highest among the groups gnomAD compares: African/African-American, 1.5%; 12 homozygotes.

Submissions (7):

Labcorp Genetics (formerly Invitae), Labcorp
Classification: Benign. Last evaluated: 2026-01-28. Review status: criteria provided, single submitter. Criteria: Invitae Variant Classification Sherloc (09022015). Collection method: clinical testing. Allele origin: germline.

CeGaT Center for Human Genetics Tuebingen
Classification: Likely benign. Last evaluated: 2026-01-01. Review status: criteria provided, single submitter. Criteria: CeGaT Center For Human Genetics Tuebingen Variant Classification Criteria Version 2. Collection method: clinical testing. Allele origin: germline. Affected: yes. Observed: 1 variant allele.
Comment: ITGB4: BP4, BP7, BS1

GeneDx
Classification: Likely benign. Last evaluated: 2020-11-25. Review status: criteria provided, single submitter. Criteria: GeneDx Variant Classification Process June 2021. Collection method: clinical testing. Allele origin: germline. Affected: yes.

Illumina Laboratory Services, Illumina
Classification: Benign for Junctional epidermolysis bullosa with pyloric atresia. Last evaluated: 2018-01-13. Review status: criteria provided, single submitter. Criteria: ICSL Variant Classification Criteria 13 December 2019. Collection method: clinical testing. Allele origin: germline.
Comment: This variant was observed in the ICSL laboratory as part of a predisposition screen in an ostensibly healthy population. It had not been previously curated by ICSL or reported in the Human Gene Mutation Database (HGMD: prior to June 1st, 2018), and was therefore a candidate for classification through an automated scoring system. Utilizing variant allele frequency, disease prevalence and penetrance estimates, and inheritance mode, an automated score was calculated to assess if this variant is too frequent to cause the disease. Based on the score and internal cut-off values, a variant classified as benign is not then subjected to further curation. The score for this variant resulted in a classification of benign for this disease.

Breakthrough Genomics
Classification: Likely benign. Review status: criteria provided, single submitter. Criteria: ACMG Guidelines, 2015. Collection method: not provided. Allele origin: germline. Inheritance: Autosomal recessive inheritance. Affected: yes.

Clinical Genetics DNA and cytogenetics Diagnostics Lab, Erasmus MC, Erasmus Medical Center
Classification: Benign. Review status: no assertion criteria provided. Collection method: clinical testing. Allele origin: germline. Affected: yes. Study: VKGL Data-share Consensus. Not counted in ClinVar's aggregate classification.

Genome Diagnostics Laboratory, University Medical Center Utrecht
Classification: Benign. Review status: no assertion criteria provided. Collection method: clinical testing. Allele origin: germline. Affected: yes. Study: VKGL Data-share Consensus. Not counted in ClinVar's aggregate classification.